The following is an entry in ClinVar:

NM_001365951.3(KIF1B):c.1938G>C (p.Lys646Asn)

Gene: KIF1B (kinesin family member 1B; plus strand). Cytogenetic location: 1p36.22.
Variant type: single nucleotide variant.
Coding change: c.1938G>C on transcript NM_001365951.3 (MANE Select); coding-DNA position 1938, G replaced by C.
Protein change: p.Lys646Asn; replaces lysine 646 with asparagine.
Molecular consequence: missense variant.
Genome position (GRCh38, 1-based): chr1:10,296,973, G>C. VCF-style: chr1-10296973-G-C. GRCh37 (hg19) VCF-style: chr1-10357031-G-C.
Other names: c.1938G>C, p.Lys646Asn (NM_001365952.1); c.1800G>C, p.Lys600Asn (NM_001365953.1, NM_015074.3, NM_183416.4); short protein forms K600N, K646N.
Identifiers: ClinVar variation 3534052 (VCV003534052.1).

ClinVar aggregate classification (germline): Uncertain significance (1 of 4 stars; one submission).

gnomAD v4.1: 1 of 1,614,032 alleles (0.000062%); highest among the groups gnomAD compares: Non-Finnish European, 0.000085%; no homozygotes.

Submission:

Ambry Genetics
Classification: Uncertain significance. Last evaluated: 2024-10-19. Review status: criteria provided, single submitter. Criteria: Ambry Variant Classification Scheme 2023. Collection method: clinical testing. Allele origin: germline.
Comment: The p.K600N variant (also known as c.1800G>C), located in coding exon 18 of the KIF1B gene, results from a G to C substitution at nucleotide position 1800. The lysine at codon 600 is replaced by asparagine, an amino acid with similar properties. This amino acid position is conserved. In addition, this alteration is predicted to be tolerated by in silico analysis. Based on the available evidence, the clinical significance of this variant remains unclear.